The following is an entry in ClinVar:

ClinVar aggregate classification (germline): Uncertain significance (1 of 4 stars; one submission).

Submission:

Labcorp Genetics (formerly Invitae), Labcorp
Classification: Uncertain significance. Last evaluated: 2024-05-08. Review status: criteria provided, single submitter. Criteria: Invitae Variant Classification Sherloc (09022015). Collection method: clinical testing. Allele origin: germline.
Comment: This sequence change replaces isoleucine, which is neutral and non-polar, with threonine, which is neutral and polar, at codon 291 of the TUBA8 protein (p.Ile291Thr). The frequency data for this variant in the population databases is considered unreliable, as metrics indicate poor data quality at this position in the gnomAD database. This variant has not been reported in the literature in individuals affected with TUBA8-related conditions. An algorithm developed to predict the effect of missense changes on protein structure and function (PolyPhen-2) suggests that this variant is likely to be disruptive. In summary, the available evidence is currently insufficient to determine the role of this variant in disease. Therefore, it has been classified as a Variant of Uncertain Significance.

NM_018943.3(TUBA8):c.872_873delinsCC (p.Ile291Thr)

Gene: TUBA8 (tubulin alpha 8; plus strand). Cytogenetic location: 22q11.21.
Variant type: Indel.
Coding change: c.872_873delinsCC on transcript NM_018943.3 (MANE Select); coding-DNA positions 872 to 873, TA replaced by CC.
Protein change: p.Ile291Thr; replaces isoleucine 291 with threonine.
Molecular consequence: missense variant.
Genome position (GRCh38, 1-based): chr22:18,126,850-18,126,851, TA replaced by CC. VCF-style: chr22-18126850-TA-CC. GRCh37 (hg19) VCF-style: chr22-18609617-TA-CC.
Other names: c.674_675delinsCC, p.Ile225Thr (NM_001193414.2); short protein forms I225T, I291T.
Identifiers: ClinVar variation 3623697 (VCV003623697.2).
Genomic context (GRCh38, chr22:18,126,850, plus strand): 5'-CCTACGCGCCCATCATCTCTGCCGAGAAAGCCTATCACGAACAGCTCTCTGTGGCCGAGA[TA>CC]ACCAGCTCCTGCTTTGAGCCCAACAGCCAGATGGTGAAGTGCGACCCGAGACATGGCAAG-3'
Protein context (NP_061816.1, residues 281-301): AYHEQLSVAE[Ile291Thr]TSSCFEPNSQ